The following is an entry in ClinVar:

NM_001374353.1(GLI2):c.1387del (p.Glu463fs)

Gene: GLI2 (GLI family zinc finger 2; plus strand). Cytogenetic location: 2q14.2.
Variant type: Deletion.
Coding change: c.1387del on transcript NM_001374353.1 (MANE Select); coding-DNA position 1387, one base deleted (G; older notation c.1387delG).
Protein change: p.Glu463fs; shifts the reading frame from glutamic acid 463.
Molecular consequence: frameshift variant.
Genome position (GRCh38, 1-based): chr2:120,978,503, G deleted; the last of 3 consecutive G bases (chr2:120,978,501-120,978,503); deleting any one gives the same sequence. VCF-style (leftmost placement, unchanged base first): chr2-120978500-CG-C. GRCh37 (hg19) VCF-style: chr2-121736076-CG-C.
Other names: c.1438del, p.Glu480fs (NM_001371271.1, NM_005270.5); c.1012del, p.Glu338fs (NM_001374354.1); short protein forms E338fs, E463fs, E480fs.
Identifiers: ClinVar variation 4880536 (VCV004880536.2).

ClinVar aggregate classification (germline): Likely pathogenic (1 of 4 stars; one submission).

Conditions:
GLI2-related disorder. Also called: GLI2-related condition; GLI2-related disorders.

Submission:

Dasa
Classification: Likely pathogenic for GLI2-related disorder. Last evaluated: 2025-06-07. Review status: criteria provided, single submitter. Criteria: DASA Assertion Criteria. Collection method: clinical testing. Allele origin: germline.
Comment: NM_001374353.1(GLI2):c.1387del (p.Glu463Serfs*41) is a frameshift variant in GLI2 predicted to alter the reading frame and introduce a premature termination codon and is predicted to result in an absent or altered protein product. Loss of function is an established disease mechanism for GLI2 (PMID: 14581620; PMID: 21204792; PMID: 24744436). Published studies describe this variant in association with related phenotype (PMID: 34921505). Also, this variant is absent from population databases. Based on the currently available evidence, this variant is classified as likely pathogenic.

Literature cited by the submitters: PubMed 34921505; PubMed 14581620; PubMed 21204792; PubMed 24744436.